The following is an entry in ClinVar:

ClinVar aggregate classification (germline): Uncertain significance. Review status: criteria provided, multiple submitters, no conflicts (2 of 4 stars). 2 submissions from 2 submitters: Uncertain significance (2). Last evaluated 2025-10-25.

Conditions:
Hereditary cancer-predisposing syndrome. Also called: Hereditary neoplastic syndrome; Neoplastic Syndromes, Hereditary; Tumor predisposition; Hereditary Cancer Syndrome. Identifiers: Orphanet 140162, MedGen C0027672, MeSH D009386, MONDO:0015356.
Fanconi anemia complementation group J. Also called: BRIP1-Related Fanconi Anemia. Identifiers: Orphanet 84, MedGen C1836860, MONDO:0012187, OMIM 609054.
Familial cancer of breast. Also called: BREAST CANCER, FAMILIAL; Hereditary breast cancer; hereditary breast carcinoma. Identifiers: Orphanet 227535, MedGen C0346153, MONDO:0016419, OMIM 114480. Disease mechanism: loss of function.

Allele frequency attached by ClinVar (database versions not stated): gnomAD exomes below 0.00001.
gnomAD v4.1: 4 of 1,613,742 alleles (0.00025%); highest among the groups gnomAD compares: Non-Finnish European, 0.00034%; no homozygotes.

Submissions (2):

Ambry Genetics
Classification: Uncertain significance for Hereditary cancer-predisposing syndrome. Last evaluated: 2025-10-25. Review status: criteria provided, single submitter. Criteria: Ambry Variant Classification Scheme 2023. Collection method: clinical testing. Allele origin: germline.
Comment: The p.N429D variant (also known as c.1285A>G), located in coding exon 8 of the BRIP1 gene, results from an A to G substitution at nucleotide position 1285. The asparagine at codon 429 is replaced by aspartic acid, an amino acid with highly similar properties. This variant was not reported in population based cohorts in the following databases: Database of Single Nucleotide Polymorphisms (dbSNP), NHLBI Exome Sequencing Project (ESP), and 1000 Genomes Project. In the ESP, this variant was not observed in 6503 samples (13006 alleles) with coverage at this position. To date, this alteration has been detected with an allele frequency of approximately 0.001% (greater than 175000 alleles tested) in our clinical cohort. This amino acid position is well conserved in available vertebrate species. In addition, this alteration is predicted to be tolerated by in silico analysis. Since supporting evidence is limited at this time, the clinical significance of this alteration remains unclear.

Labcorp Genetics (formerly Invitae), Labcorp
Classification: Uncertain significance for Familial cancer of breast; Fanconi anemia complementation group J. Last evaluated: 2022-08-29. Review status: criteria provided, single submitter. Criteria: Invitae Variant Classification Sherloc (09022015). Collection method: clinical testing. Allele origin: germline.
Comment: This sequence change replaces asparagine, which is neutral and polar, with aspartic acid, which is acidic and polar, at codon 429 of the BRIP1 protein (p.Asn429Asp). This variant is not present in population databases (gnomAD no frequency). This variant has not been reported in the literature in individuals affected with BRIP1-related conditions. ClinVar contains an entry for this variant (Variation ID: 480898). Algorithms developed to predict the effect of missense changes on protein structure and function are either unavailable or do not agree on the potential impact of this missense change (SIFT: "Tolerated"; PolyPhen-2: "Possibly Damaging"; Align-GVGD: "Class C0"). In summary, the available evidence is currently insufficient to determine the role of this variant in disease. Therefore, it has been classified as a Variant of Uncertain Significance.

NM_032043.3(BRIP1):c.1285A>G (p.Asn429Asp)

Gene: BRIP1 (BRCA1 interacting DNA helicase 1; minus strand). Cytogenetic location: 17q23.2.
Variant type: single nucleotide variant.
Coding change: c.1285A>G on transcript NM_032043.3 (MANE Select); coding-DNA position 1285, A replaced by G.
Protein change: p.Asn429Asp; replaces asparagine 429 with aspartic acid.
Molecular consequence: missense variant.
Genome position (GRCh38, 1-based): chr17:61,799,155, T>C on the plus strand (A>G on the coding strand, the complement: BRIP1 is on the minus strand). VCF-style: chr17-61799155-T-C. GRCh37 (hg19) VCF-style: chr17-59876516-T-C.
Other names: short protein forms N429D.
Identifiers: ClinVar variation 480898 (VCV000480898.8), dbSNP rs1555607082, ClinGen allele CA400483526.